The following is an entry in ClinVar:

NM_005591.4(MRE11):c.1433T>G (p.Leu478Trp)

Gene: MRE11 (MRE11 double strand break repair nuclease; minus strand). Cytogenetic location: 11q21.
Variant type: single nucleotide variant.
Coding change: c.1433T>G on transcript NM_005591.4 (MANE Select); coding-DNA position 1433, T replaced by G.
Protein change: p.Leu478Trp; replaces leucine 478 with tryptophan.
Molecular consequence: missense variant.
Genome position (GRCh38, 1-based): chr11:94,459,475, A>C on the plus strand (T>G on the coding strand, the complement: MRE11 is on the minus strand). VCF-style: chr11-94459475-A-C. GRCh37 (hg19) VCF-style: chr11-94192641-A-C.
Other names: c.1433T>G, p.Leu478Trp (NM_001330347.2, NM_005590.4); short protein forms L478W.
Identifiers: ClinVar variation 3874306 (VCV003874306.1).

ClinVar aggregate classification (germline): Uncertain significance (1 of 4 stars; one submission).

Conditions:
Hereditary cancer-predisposing syndrome. Also called: Tumor predisposition; Neoplastic Syndromes, Hereditary; Hereditary Cancer Syndrome; Hereditary neoplastic syndrome. Identifiers: Orphanet 140162, MedGen C0027672, MeSH D009386, MONDO:0015356.

Submission:

Ambry Genetics
Classification: Uncertain significance for Hereditary cancer-predisposing syndrome. Last evaluated: 2025-03-01. Review status: criteria provided, single submitter. Criteria: Ambry Variant Classification Scheme 2023. Collection method: clinical testing. Allele origin: germline.
Comment: The p.L478W variant (also known as c.1433T>G), located in coding exon 12 of the MRE11A gene, results from a T to G substitution at nucleotide position 1433. The leucine at codon 478 is replaced by tryptophan, an amino acid with similar properties. This amino acid position is conserved. In addition, this alteration is predicted to be deleterious by in silico analysis. Based on the available evidence, the clinical significance of this variant remains unclear.